The following is an entry in ClinVar:

ClinVar aggregate classification (germline): Benign (1 of 4 stars; one submission).

Allele frequency attached by ClinVar (database versions not stated): 1000 Genomes Project 0.00180; 1000 Genomes Project 30x 0.00203; ESP Exome Variant Server 0.00204; gnomAD 0.00241; TOPMed 0.00305.
gnomAD v4.1: 4,660 of 1,613,836 alleles (0.29%); highest among the groups gnomAD compares: Admixed American, 0.61%; 8 homozygotes.

Submission:

CeGaT Center for Human Genetics Tuebingen
Classification: Benign. Last evaluated: 2022-06-01. Review status: criteria provided, single submitter. Criteria: CeGaT Center For Human Genetics Tuebingen Variant Classification Criteria Version 2. Collection method: clinical testing. Allele origin: germline. Affected: yes. Observed: 1 variant allele.
Comment: PIK3R2: BS1, BS2

NC_000019.10:g.18175086C>T

Genes: IFI30 (IFI30 lysosomal thiol reductase; plus strand), PIK3R2 (phosphoinositide-3-kinase regulatory subunit 2; plus strand). Cytogenetic location: 19p13.11.
Variant type: single nucleotide variant.
Molecular consequence: missense variant (on NM_006332.5).
Genome position: GRCh38 VCF-style: chr19-18175086-C-T. GRCh37 (hg19) VCF-style: chr19-18285896-C-T.
Other names: c.179C>T, p.Pro60Leu (NM_006332.5); short protein forms P60L.
Identifiers: ClinVar variation 2649574 (VCV002649574.24), dbSNP rs140704918, ClinGen allele CA9307316.
Genomic context (GRCh38, chr19:18,175,086, plus strand): 5'-TTCCTAATCCACAGACAGGCAATCTATACCTGCGGGGGCCCCTGAAGAAGTCCAATGCAC[C>T]GCTTGTCAATGTGACCCTCTACTATGAAGCACTGTGCGGTGGCTGCCGAGCCTTCCTGAT-3'